The following is an entry in ClinVar:

ClinVar aggregate classification (germline): Uncertain significance (1 of 4 stars; one submission).

Conditions:
Hereditary cancer-predisposing syndrome. Also called: Neoplastic Syndromes, Hereditary; Tumor predisposition; Hereditary neoplastic syndrome; Hereditary Cancer Syndrome. Identifiers: Orphanet 140162, MedGen C0027672, MeSH D009386, MONDO:0015356.

Submission:

Ambry Genetics
Classification: Uncertain significance for Hereditary cancer-predisposing syndrome. Last evaluated: 2023-10-08. Review status: criteria provided, single submitter. Criteria: Ambry Variant Classification Scheme 2023. Collection method: clinical testing. Allele origin: germline.
Comment: The p.P1446T variant (also known as c.4336C>A), located in coding exon 33 of the TSC2 gene, results from a C to A substitution at nucleotide position 4336. The proline at codon 1446 is replaced by threonine, an amino acid with highly similar properties. This amino acid position is conserved. In addition, the in silico prediction for this alteration is inconclusive. Since supporting evidence is limited at this time, the clinical significance of this alteration remains unclear.

NM_000548.5(TSC2):c.4336C>A (p.Pro1446Thr)

Gene: TSC2 (TSC complex subunit 2; plus strand). Cytogenetic location: 16p13.3.
Variant type: single nucleotide variant.
Coding change: c.4336C>A on transcript NM_000548.5 (MANE Select); coding-DNA position 4336, C replaced by A.
Protein change: p.Pro1446Thr; replaces proline 1446 with threonine.
Molecular consequence: missense variant. On other transcripts: non-coding transcript variant (5).
Genome position (GRCh38, 1-based): chr16:2,084,558, C>A. VCF-style: chr16-2084558-C-A. GRCh37 (hg19) VCF-style: chr16-2134559-C-A.
Other names: c.4135C>A, p.Pro1379Thr (NM_001077183.3); c.4267C>A, p.Pro1423Thr (NM_001114382.3); c.4027C>A, p.Pro1343Thr (NM_001318827.2); c.3991C>A, p.Pro1331Thr (NM_001318829.2); c.3604C>A, p.Pro1202Thr (NM_001318831.2); c.4168C>A, p.Pro1390Thr (NM_001318832.2); c.4138C>A, p.Pro1380Thr (NM_001363528.2); c.4204C>A, p.Pro1402Thr (NM_001370404.1); and 26 more; short protein forms P1179T, P1180T, P1202T, P1222T, P1223T, P1226T, P1246T, P1330T.
Identifiers: ClinVar variation 3232168 (VCV003232168.1), dbSNP rs2151533149, ClinGen allele CA394301458.
Genomic context (GRCh38, chr16:2,084,558, plus strand): 5'-GAAAGTGCTGCCTGGTCGGCCTCGGGCGAAGACAGTCGGGGCCAGCCCGAGGGTCCCTTG[C>A]CTTCCAGCTCCCCCCGCTCGCCCAGTGGCCTCCGGCCCCGAGGTTACACCATCTCCGACT-3'
Protein context (NP_000539.2, residues 1436-1456): DSRGQPEGPL[Pro1446Thr]SSSPRSPSGL